The following is an entry in ClinVar:

NM_201525.4(ADGRG1):c.*840A>T

Gene: ADGRG1 (adhesion G protein-coupled receptor G1; plus strand). Cytogenetic location: 16q21.
Variant type: single nucleotide variant.
Coding change: c.*840A>T on transcript NM_201525.4 (MANE Select); 840 bases downstream of the stop codon, A replaced by T.
Molecular consequence: 3 prime UTR variant.
Genome position (GRCh38, 1-based): chr16:57,664,422, A>T. VCF-style: chr16-57664422-A-T. GRCh37 (hg19) VCF-style: chr16-57698334-A-T.
Other names: c.*840A>T (NM_001145770.3, NM_001145771.3, NM_001145772.3 and 25 more transcripts).
Identifiers: ClinVar variation 888178 (VCV000888178.4), dbSNP rs560840578, ClinGen allele CA281584463.
Genomic context (GRCh38, chr16:57,664,422, plus strand): 5'-AGGCTCGGTACCGATGCGTGGGCTGGGCTAGGTCCCTCTGTCCATCTGGGCCTTTGTATG[A>T]GCTGCATTGCCCTTGCTCACCCTGACCAAGCACACGCCTCAGAGGGGCCCTCAGCCTCTC-3'

ClinVar aggregate classification (germline): Benign (1 of 4 stars; one submission).

Conditions:
Bilateral frontoparietal polymicrogyria. Also called: CEREBELLAR ATAXIA WITH NEURONAL MIGRATION DEFECT; CORTICAL DYSPLASIA, COMPLEX, WITH OTHER BRAIN MALFORMATIONS 14A (BILATERAL FRONTOPARIETAL). Identifiers: Orphanet 101070, MedGen C1847352, MONDO:0011738, OMIM 606854.

Allele frequency attached by ClinVar (database versions not stated): gnomAD 0.00074 and 0.00146; TOPMed 0.00083; 1000 Genomes Project 30x 0.00390; 1000 Genomes Project 0.00499.

Submission:

Illumina Laboratory Services, Illumina
Classification: Benign for Bilateral frontoparietal polymicrogyria. Last evaluated: 2018-01-13. Review status: criteria provided, single submitter. Criteria: ICSL Variant Classification Criteria 13 December 2019. Collection method: clinical testing. Allele origin: germline.
Comment: This variant was observed in the ICSL laboratory as part of a predisposition screen in an ostensibly healthy population. It had not been previously curated by ICSL or reported in the Human Gene Mutation Database (HGMD: prior to June 1st, 2018), and was therefore a candidate for classification through an automated scoring system. Utilizing variant allele frequency, disease prevalence and penetrance estimates, and inheritance mode, an automated score was calculated to assess if this variant is too frequent to cause the disease. Based on the score and internal cut-off values, a variant classified as benign is not then subjected to further curation. The score for this variant resulted in a classification of benign for this disease.